The following is an entry in ClinVar:

NM_000498.3(CYP11B2):c.239+2T>A

Genes: CYP11B2 (cytochrome P450 family 11 subfamily B member 2; minus strand), LOC106799834 (CYP11B2 recombination region; plus strand). Cytogenetic location: 8q24.3.
Variant type: single nucleotide variant.
Coding change: c.239+2T>A on transcript NM_000498.3 (MANE Select); the canonical splice donor site of the intron after coding-DNA position 239, T replaced by A.
Molecular consequence: splice donor variant.
Genome position (GRCh38, 1-based): chr8:142,917,600, A>T on the plus strand (T>A on the coding strand, the complement: CYP11B2 is on the minus strand). VCF-style: chr8-142917600-A-T. GRCh37 (hg19) VCF-style: chr8-143999016-A-T.
Identifiers: ClinVar variation 2759390 (VCV002759390.3), dbSNP rs1427477002, ClinGen allele CA372393259.

ClinVar aggregate classification (germline): Likely pathogenic (1 of 4 stars; one submission).

Submission:

Labcorp Genetics (formerly Invitae), Labcorp
Classification: Likely pathogenic. Last evaluated: 2023-09-09. Review status: criteria provided, single submitter. Criteria: Invitae Variant Classification Sherloc (09022015). Collection method: clinical testing. Allele origin: germline.
Comment: This variant has not been reported in the literature in individuals affected with CYP11B2-related conditions. In summary, the currently available evidence indicates that the variant is pathogenic, but additional data are needed to prove that conclusively. Therefore, this variant has been classified as Likely Pathogenic. Algorithms developed to predict the effect of sequence changes on RNA splicing suggest that this variant may disrupt the consensus splice site. This variant is not present in population databases (gnomAD no frequency). This sequence change affects a donor splice site in intron 1 of the CYP11B2 gene. It is expected to disrupt RNA splicing. Variants that disrupt the donor or acceptor splice site typically lead to a loss of protein function (PMID: 16199547), and loss-of-function variants in CYP11B2 are known to be pathogenic (PMID: 20494601, 22801770, 26936515).

Literature cited by the submitters: PubMed 16199547; PubMed 20494601; PubMed 22801770; PubMed 26936515.